The following is an entry in ClinVar:

NM_001206927.2(DNAH8):c.3014G>A (p.Gly1005Glu)

Gene: DNAH8 (dynein axonemal heavy chain 8; plus strand). Cytogenetic location: 6p21.2.
Variant type: single nucleotide variant.
Coding change: c.3014G>A on transcript NM_001206927.2 (MANE Select); coding-DNA position 3014, G replaced by A.
Protein change: p.Gly1005Glu; replaces glycine 1005 with glutamic acid.
Molecular consequence: missense variant.
Genome position (GRCh38, 1-based): chr6:38,803,291, G>A. VCF-style: chr6-38803291-G-A. GRCh37 (hg19) VCF-style: chr6-38771067-G-A.
Other names: c.2363G>A, p.Gly788Glu (NM_001371.4); short protein forms G1005E, G788E.
Identifiers: ClinVar variation 525279 (VCV000525279.10), dbSNP rs1376949943, ClinGen allele CA363994532.
Genomic context (GRCh38, chr6:38,803,291, plus strand): 5'-AAGAAGCTGTCAGAGAACTTATATCAATATTTGAGCAGATTTATGAAGTGAAATACACTG[G>A]GAAAGTAGGAAAACAGTCAGGTAACTTTTCTCGTTACTGTGTTTGAATTACAAGATCTAC-3'
Protein context (NP_001193856.1, residues 995-1015): FEQIYEVKYT[Gly1005Glu]KVGKQSEQRK

ClinVar aggregate classification (germline): Uncertain significance. Review status: criteria provided, multiple submitters, no conflicts (2 of 4 stars). 2 submissions from 2 submitters: Uncertain significance (2). Last evaluated 2025-08-24.

Conditions:
Primary ciliary dyskinesia. Also called: Ciliary dyskinesia. Identifiers: Orphanet 244, MedGen C0008780, MONDO:0016575, HP:0012265.

Allele frequency attached by ClinVar (database versions not stated): gnomAD exomes below 0.00001; TOPMed below 0.00001; gnomAD 0.00002.
gnomAD v4.1: 4 of 1,598,268 alleles (0.00025%); highest among the groups gnomAD compares: African/African-American, 0.0054%; no homozygotes.

Submissions (2):

Ambry Genetics
Classification: Uncertain significance. Last evaluated: 2025-08-24. Review status: criteria provided, single submitter. Criteria: Ambry Variant Classification Scheme 2023. Collection method: clinical testing. Allele origin: germline.

Labcorp Genetics (formerly Invitae), Labcorp
Classification: Uncertain significance for Primary ciliary dyskinesia. Last evaluated: 2017-12-24. Review status: criteria provided, single submitter. Criteria: Invitae Variant Classification Sherloc (09022015). Collection method: clinical testing. Allele origin: germline.
Comment: In summary, the available evidence is currently insufficient to determine the role of this variant in disease. Therefore, it has been classified as a Variant of Uncertain Significance. Algorithms developed to predict the effect of missense changes on protein structure and function (SIFT, Align-GVGD) all suggest that this variant is likely to be tolerated, but these predictions have not been confirmed by published functional studies and their clinical significance is uncertain. This variant has not been reported in the literature in individuals with DNAH8-related disease. This variant is not present in population databases (ExAC no frequency). This sequence change replaces glycine with glutamic acid at codon 1005 of the DNAH8 protein (p.Gly1005Glu). The glycine residue is weakly conserved and there is a moderate physicochemical difference between glycine and glutamic acid.